The following is an entry in ClinVar:

NM_001134831.2(AHI1):c.2280T>G (p.Tyr760Ter)

Gene: AHI1 (Abelson helper integration site 1; minus strand). Cytogenetic location: 6q23.3.
Variant type: single nucleotide variant.
Coding change: c.2280T>G on transcript NM_001134831.2 (MANE Select); coding-DNA position 2280, T replaced by G.
Protein change: p.Tyr760Ter; replaces tyrosine 760 with a stop codon.
Molecular consequence: nonsense.
Genome position (GRCh38, 1-based): chr6:135,431,301, A>C on the plus strand (T>G on the coding strand, the complement: AHI1 is on the minus strand). VCF-style: chr6-135431301-A-C. GRCh37 (hg19) VCF-style: chr6-135752439-A-C.
Other names: c.2280T>G, p.Tyr760Ter (NM_001134830.2, NM_001134832.2, NM_001350503.2 and 2 more transcripts); short protein forms Y760*.
Identifiers: ClinVar variation 5016271 (VCV005016271.1).
Genomic context (GRCh38, chr6:135,431,301, plus strand): 5'-CAAATCATTAATCTTGACATAGGTATTCCAAACAACAATCACCCCTGTACAATCTCCTGA[A>C]TACATATGATGACCTATTTAAAAAAATAAGATCACTCACTTATGAATGTCACACAGAGTT-3'

ClinVar aggregate classification (germline): Pathogenic (1 of 4 stars; one submission).

Conditions:
Joubert syndrome 3 (JBTS3). Also called: AHI1-related Ciliopathy. Identifiers: Orphanet 220493, MedGen C1837713, MONDO:0012078, OMIM 608629.

Submission:

Myriad Genetics, Inc.
Classification: Pathogenic for Joubert syndrome 3. Last evaluated: 2026-08-24. Review status: criteria provided, single submitter. Criteria: Myriad Autosomal Dominant, Autosomal Recessive and X-Linked Classification Criteria (2023). Collection method: clinical testing. Allele origin: unknown.
Comment: NM_001134831.1(AHI1):c.2280T>G(Y760*) is expected to be pathogenic in the context of Joubert syndrome, AHI1-related. This variant is predicted to lead to an abnormal or absent protein product due to the creation of a premature termination codon in AHI1, a gene where loss-of-function variants are known to be pathogenic. Please note: this variant was assessed in the context of healthy population screening.